The following is an entry in ClinVar:

NM_004006.3(DMD):c.5906T>C (p.Leu1969Pro)

Gene: DMD (dystrophin; minus strand). Cytogenetic location: Xp21.1.
Variant type: single nucleotide variant.
Coding change: c.5906T>C on transcript NM_004006.3 (MANE Select); coding-DNA position 5906, T replaced by C.
Protein change: p.Leu1969Pro; replaces leucine 1969 with proline.
Molecular consequence: missense variant.
Genome position (GRCh38, 1-based): chrX:32,342,116, A>G on the plus strand (T>C on the coding strand, the complement: DMD is on the minus strand). VCF-style: chrX-32342116-A-G. GRCh37 (hg19) VCF-style: chrX-32360233-A-G.
Other names: c.5882T>C, p.Leu1961Pro (NM_000109.4); c.5894T>C, p.Leu1965Pro (NM_004009.3); c.5537T>C, p.Leu1846Pro (NM_004010.3); c.1883T>C, p.Leu628Pro (NM_004011.4); c.1874T>C, p.Leu625Pro (NM_004012.4); short protein forms L1965P, L1846P, L1969P, L628P, L1961P, L625P.
Identifiers: ClinVar variation 1906000 (VCV001906000.3), dbSNP rs2521802602, ClinGen allele CA412664703.

ClinVar aggregate classification (germline): Uncertain significance (1 of 4 stars; one submission).

Conditions:
Duchenne muscular dystrophy (DMD). Also called: MUSCULAR DYSTROPHY, PSEUDOHYPERTROPHIC PROGRESSIVE, DUCHENNE TYPE; Duchenne Muscular Dystrophy (DMD). Identifiers: Orphanet 98896, MedGen C0013264, MONDO:0010679, OMIM 310200.

Allele frequency attached by ClinVar (database versions not stated): gnomAD exomes below 0.00001.
gnomAD v4.1: 2 of 1,208,919 alleles (0.00017%); highest among the groups gnomAD compares: African/African-American, 0.0035%; no homozygotes.

Submission:

Labcorp Genetics (formerly Invitae), Labcorp
Classification: Uncertain significance for Duchenne muscular dystrophy. Last evaluated: 2025-05-18. Review status: criteria provided, single submitter. Criteria: Invitae Variant Classification Sherloc (09022015). Collection method: clinical testing. Allele origin: germline.
Comment: This sequence change replaces leucine, which is neutral and non-polar, with proline, which is neutral and non-polar, at codon 1969 of the DMD protein (p.Leu1969Pro). This variant is not present in population databases (gnomAD no frequency). This variant has not been reported in the literature in individuals affected with DMD-related conditions. ClinVar contains an entry for this variant (Variation ID: 1906000). Invitae Evidence Modeling of protein sequence and biophysical properties (such as structural, functional, and spatial information, amino acid conservation, physicochemical variation, residue mobility, and thermodynamic stability) indicates that this missense variant is not expected to disrupt DMD protein function with a negative predictive value of 95%. In summary, the available evidence is currently insufficient to determine the role of this variant in disease. Therefore, it has been classified as a Variant of Uncertain Significance.